The following is an entry in ClinVar:

NM_000203.5(IDUA):c.1955A>G (p.Asn652Ser)

Gene: IDUA (alpha-L-iduronidase; plus strand). Cytogenetic location: 4p16.3.
Variant type: single nucleotide variant.
Coding change: c.1955A>G on transcript NM_000203.5 (MANE Select); coding-DNA position 1955, A replaced by G.
Protein change: p.Asn652Ser; replaces asparagine 652 with serine.
Molecular consequence: missense variant. On other transcripts: non-coding transcript variant (1).
Genome position (GRCh38, 1-based): chr4:1,004,386, A>G. VCF-style: chr4-1004386-A-G. GRCh37 (hg19) VCF-style: chr4-998174-A-G.
Other names: c.1955A>G (NM_000203.3); c.1559A>G, p.Asn520Ser (NM_001363576.1); short protein forms N652S, N520S.
Identifiers: ClinVar variation 2142811 (VCV002142811.3), dbSNP rs372305229, ClinGen allele CA2802486.

ClinVar aggregate classification (germline): Uncertain significance. Review status: criteria provided, multiple submitters, no conflicts (2 of 4 stars). 2 submissions from 2 submitters: Uncertain significance (2). Last evaluated 2025-09-03.

Conditions:
Inborn genetic diseases. Identifiers: MedGen C0950123, MeSH D030342.
Mucopolysaccharidosis type 1. Also called: IDUA deficiency; MPS I. Identifiers: Orphanet 579, MedGen C0023786, MONDO:0001586.

Allele frequency attached by ClinVar (database versions not stated): gnomAD exomes below 0.00001; ExAC 0.00003; gnomAD 0.00007; TOPMed 0.00011; ESP Exome Variant Server 0.00023.
gnomAD v4.1: 19 of 1,610,484 alleles (0.0012%); highest among the groups gnomAD compares: African/African-American, 0.019%; no homozygotes.

Submissions (2):

Ambry Genetics
Classification: Uncertain significance for Inborn genetic diseases. Last evaluated: 2025-09-03. Review status: criteria provided, single submitter. Criteria: Ambry Variant Classification Scheme 2023. Collection method: clinical testing. Allele origin: germline.
Comment: The p.N652S variant (also known as c.1955A>G), located in coding exon 14 of the IDUA gene, results from an A to G substitution at nucleotide position 1955. The asparagine at codon 652 is replaced by serine, an amino acid with highly similar properties. This amino acid position is conserved. In addition, this alteration is predicted to be tolerated by in silico analysis. Based on the available evidence, the clinical significance of this variant remains unclear.

Labcorp Genetics (formerly Invitae), Labcorp
Classification: Uncertain significance for Mucopolysaccharidosis type 1. Last evaluated: 2022-03-17. Review status: criteria provided, single submitter. Criteria: Invitae Variant Classification Sherloc (09022015). Collection method: clinical testing. Allele origin: germline.
Comment: This sequence change replaces asparagine, which is neutral and polar, with serine, which is neutral and polar, at codon 652 of the IDUA protein (p.Asn652Ser). This variant is present in population databases (rs372305229, gnomAD 0.02%). This variant has not been reported in the literature in individuals affected with IDUA-related conditions. Advanced modeling of protein sequence and biophysical properties (such as structural, functional, and spatial information, amino acid conservation, physicochemical variation, residue mobility, and thermodynamic stability) performed at Invitae indicates that this missense variant is not expected to disrupt IDUA protein function. Algorithms developed to predict the effect of sequence changes on RNA splicing suggest that this variant may create or strengthen a splice site. In summary, the available evidence is currently insufficient to determine the role of this variant in disease. Therefore, it has been classified as a Variant of Uncertain Significance.